The following is an entry in ClinVar:

ClinVar aggregate classification (germline): Uncertain significance (1 of 4 stars; one submission).

Conditions:
Primary ciliary dyskinesia. Also called: Ciliary dyskinesia. Identifiers: Orphanet 244, MedGen C0008780, MONDO:0016575, HP:0012265.

gnomAD v4.1: 2 of 1,210,256 alleles (0.00017%); highest among the groups gnomAD compares: Non-Finnish European, 0.00022%; no homozygotes.

Submission:

Labcorp Genetics (formerly Invitae), Labcorp
Classification: Uncertain significance for Primary ciliary dyskinesia. Last evaluated: 2024-08-20. Review status: criteria provided, single submitter. Criteria: Invitae Variant Classification Sherloc (09022015). Collection method: clinical testing. Allele origin: germline.
Comment: This sequence change replaces lysine, which is basic and polar, with asparagine, which is neutral and polar, at codon 590 of the RPGR protein (p.Lys590Asn). This variant is not present in population databases (gnomAD no frequency). This variant has not been reported in the literature in individuals affected with RPGR-related conditions. Invitae Evidence Modeling of protein sequence and biophysical properties (such as structural, functional, and spatial information, amino acid conservation, physicochemical variation, residue mobility, and thermodynamic stability) indicates that this missense variant is not expected to disrupt RPGR protein function with a negative predictive value of 95%. In summary, the available evidence is currently insufficient to determine the role of this variant in disease. Therefore, it has been classified as a Variant of Uncertain Significance.

NM_001034853.2(RPGR):c.1770G>C (p.Lys590Asn)

Gene: RPGR (retinitis pigmentosa GTPase regulator; minus strand). Cytogenetic location: Xp11.4.
Variant type: single nucleotide variant.
Coding change: c.1770G>C on transcript NM_001034853.2 (MANE Select); coding-DNA position 1770, G replaced by C.
Protein change: p.Lys590Asn; replaces lysine 590 with asparagine.
Molecular consequence: missense variant. On other transcripts: non-coding transcript variant (2), intron variant (5).
Genome position (GRCh38, 1-based): chrX:38,287,229, C>G on the plus strand (G>C on the coding strand, the complement: RPGR is on the minus strand). VCF-style: chrX-38287229-C-G. GRCh37 (hg19) VCF-style: chrX-38146482-C-G.
Other names: c.1569+3730G>C (NM_001367249.1, NM_001367250.1); c.1386+3730G>C (NM_001367251.1); c.1572+3730G>C (NM_001367247.1); c.1602+3730G>C (NM_001367248.1); c.1770G>C, p.Lys590Asn (NM_000328.3); c.1767G>C, p.Lys589Asn (NM_001367245.1); c.1584G>C, p.Lys528Asn (NM_001367246.1); short protein forms K590N, K528N, K589N.
Identifiers: ClinVar variation 3691200 (VCV003691200.2).